The following is an entry in ClinVar:

NM_001111125.3(IQSEC2):c.1505A>T (p.Lys502Met)

Gene: IQSEC2 (IQ motif and Sec7 domain ArfGEF 2; minus strand). Cytogenetic location: Xp11.22.
Variant type: single nucleotide variant.
Coding change: c.1505A>T on transcript NM_001111125.3 (MANE Select); coding-DNA position 1505, A replaced by T.
Protein change: p.Lys502Met; replaces lysine 502 with methionine.
Molecular consequence: missense variant.
Genome position (GRCh38, 1-based): chrX:53,251,071, T>A on the plus strand (A>T on the coding strand, the complement: IQSEC2 is on the minus strand). VCF-style: chrX-53251071-T-A. GRCh37 (hg19) VCF-style: chrX-53280253-T-A.
Other names: c.1505A>T, p.Lys502Met (NM_001410736.1); c.890A>T, p.Lys297Met (NM_015075.2); short protein forms K297M, K502M.
Identifiers: ClinVar variation 3634905 (VCV003634905.2).

ClinVar aggregate classification (germline): Uncertain significance (1 of 4 stars; one submission).

Conditions:
Intellectual developmental disorder, X-linked 1. Also called: Atkin Flaitz Patil Smith syndrome; MENTAL RETARDATION, X-LINKED 18; MENTAL RETARDATION, X-LINKED 78; Intellectual disability, X-linked 1. Identifiers: Orphanet 777, MedGen C2931498, MONDO:0010656, OMIM 309530.

Submission:

Labcorp Genetics (formerly Invitae), Labcorp
Classification: Uncertain significance for Intellectual developmental disorder, X-linked 1. Last evaluated: 2024-11-03. Review status: criteria provided, single submitter. Criteria: Invitae Variant Classification Sherloc (09022015). Collection method: clinical testing. Allele origin: germline.
Comment: This sequence change replaces lysine, which is basic and polar, with methionine, which is neutral and non-polar, at codon 502 of the IQSEC2 protein (p.Lys502Met). This variant is not present in population databases (gnomAD no frequency). This variant has not been reported in the literature in individuals affected with IQSEC2-related conditions. Invitae Evidence Modeling of protein sequence and biophysical properties (such as structural, functional, and spatial information, amino acid conservation, physicochemical variation, residue mobility, and thermodynamic stability) indicates that this missense variant is not expected to disrupt IQSEC2 protein function with a negative predictive value of 95%. In summary, the available evidence is currently insufficient to determine the role of this variant in disease. Therefore, it has been classified as a Variant of Uncertain Significance.